The following is an entry in ClinVar:

ClinVar aggregate classification (germline): Uncertain significance (1 of 4 stars; one submission).

Conditions:
Saldino-Mainzer syndrome (SRTD9). Also called: CONORENAL SYNDROME; Renal dysplasia, retinal pigmentary dystrophy, cerebellar ataxia and skeletal dysplasia; SHORT-RIB THORACIC DYSPLASIA 9 WITHOUT POLYDACTYLY; short-rib thoracic dysplasia 9 with or without polydactyly. Identifiers: Orphanet 140969, MedGen C1849437, MONDO:0009964, OMIM 266920.

Submission:

Labcorp Genetics (formerly Invitae), Labcorp
Classification: Uncertain significance for Saldino-Mainzer syndrome. Last evaluated: 2022-11-08. Review status: criteria provided, single submitter. Criteria: Invitae Variant Classification Sherloc (09022015). Collection method: clinical testing. Allele origin: germline.
Comment: This sequence change falls in intron 4 of the IFT140 gene. It does not directly change the encoded amino acid sequence of the IFT140 protein. In summary, the available evidence is currently insufficient to determine the role of this variant in disease. Therefore, it has been classified as a Variant of Uncertain Significance. Algorithms developed to predict the effect of sequence changes on RNA splicing suggest that this variant may disrupt the consensus splice site. ClinVar contains an entry for this variant (Variation ID: 1419855). This variant has not been reported in the literature in individuals affected with IFT140-related conditions. This variant is not present in population databases (gnomAD no frequency).

NM_014714.4(IFT140):c.370-12G>A

Genes: IFT140 (intraflagellar transport 140; minus strand), LOC105371046 (uncharacterized LOC105371046; plus strand). Cytogenetic location: 16p13.3.
Variant type: single nucleotide variant.
Coding change: c.370-12G>A on transcript NM_014714.4 (MANE Select); 12 bases into the intron before coding-DNA position 370, G replaced by A.
Molecular consequence: intron variant.
Genome position (GRCh38, 1-based): chr16:1,592,600, C>T on the plus strand (G>A on the coding strand, the complement: IFT140 is on the minus strand). VCF-style: chr16-1592600-C-T. GRCh37 (hg19) VCF-style: chr16-1642601-C-T.
Identifiers: ClinVar variation 1419855 (VCV001419855.6), dbSNP rs2141917000, ClinGen allele CA2573151758.